The following is an entry in ClinVar:

ClinVar aggregate classification (germline): Pathogenic/Likely pathogenic. Review status: criteria provided, multiple submitters, no conflicts (2 of 4 stars). 2 submissions from 2 submitters: Pathogenic (1); Likely pathogenic (1). Last evaluated 2024-04-20.

Conditions:
Neurofibromatosis, type 1 (NF1). Also called: Peripheral type neurofibromatosis; Neurofibromatosis, type I; VON RECKLINGHAUSEN DISEASE; NEUROFIBROMATOSIS, TYPE I, SOMATIC. Identifiers: Orphanet 636, MedGen C0027831, MONDO:0018975, OMIM 162200. Disease mechanism: loss of function.

Allele frequency attached by ClinVar (database versions not stated): gnomAD exomes below 0.00001; TOPMed below 0.00001; gnomAD 0.00001.
gnomAD v4.1: 2 of 1,599,666 alleles (0.00013%); highest among the groups gnomAD compares: Non-Finnish European, 0.00017%; no homozygotes.

Submissions (2):

Labcorp Genetics (formerly Invitae), Labcorp
Classification: Pathogenic for Neurofibromatosis, type 1. Last evaluated: 2024-04-20. Review status: criteria provided, single submitter. Criteria: Invitae Variant Classification Sherloc (09022015). Collection method: clinical testing. Allele origin: germline.
Comment: This sequence change affects codon 96 of the NF1 mRNA. It is a 'silent' change, meaning that it does not change the encoded amino acid sequence of the NF1 protein. This variant also falls at the last nucleotide of exon 3, which is part of the consensus splice site for this exon. This variant is not present in population databases (gnomAD no frequency). This variant has been observed in individual(s) with neurofibromatosis type I (PMID: 16944272; Invitae; External communication). ClinVar contains an entry for this variant (Variation ID: 838808). Variants that disrupt the consensus splice site are a relatively common cause of aberrant splicing (PMID: 17576681, 9536098). Algorithms developed to predict the effect of sequence changes on RNA splicing suggest that this variant may disrupt the consensus splice site. For these reasons, this variant has been classified as Pathogenic.

GeneDx
Classification: Likely pathogenic. Last evaluated: 2023-11-29. Review status: criteria provided, single submitter. Criteria: GeneDx Variant Classification Process June 2021. Collection method: clinical testing. Allele origin: germline. Affected: yes.
Comment: Not observed at significant frequency in large population cohorts (gnomAD); In silico analysis is inconclusive as to whether the variant alters gene splicing. In the absence of RNA/functional studies, the actual effect of this sequence change is unknown.; This variant is associated with the following publications: (PMID: 16944272)

Literature cited by the submitters: PubMed 16944272 (cited by Labcorp Genetics (formerly Invitae), Labcorp); PubMed 17576681 (cited by Labcorp Genetics (formerly Invitae), Labcorp); PubMed 9536098 (cited by Labcorp Genetics (formerly Invitae), Labcorp).

NM_001042492.3(NF1):c.288G>T (p.Gly96=)

Gene: NF1 (neurofibromin 1; plus strand). Cytogenetic location: 17q11.2.
Variant type: single nucleotide variant.
Coding change: c.288G>T on transcript NM_001042492.3 (MANE Select); coding-DNA position 288, G replaced by T.
Protein change: p.Gly96=; no amino-acid change (glycine 96 retained).
Molecular consequence: synonymous variant.
Genome position (GRCh38, 1-based): chr17:31,159,093, G>T. VCF-style: chr17-31159093-G-T. GRCh37 (hg19) VCF-style: chr17-29486111-G-T.
Other names: c.288G>T, p.Gly96= (NM_000267.4, NM_001128147.3).
Identifiers: ClinVar variation 838808 (VCV000838808.9), dbSNP rs1430988476, ClinGen allele CA499232898.